The following is an entry in ClinVar:

ClinVar aggregate classification (germline): Likely benign. Review status: criteria provided, multiple submitters, no conflicts (2 of 4 stars). 5 submissions from 5 submitters: Likely benign (4). 1 of the submissions does not count toward it. Last evaluated 2025-08-29.

Conditions:
POLR1A-related disorder. Also called: POLR1A-related condition.
Inborn genetic diseases. Identifiers: MedGen C0950123, MeSH D030342.

Allele frequency attached by ClinVar (database versions not stated): gnomAD exomes 0.00016; ExAC 0.00026; ESP Exome Variant Server 0.00041; TOPMed 0.00059; gnomAD 0.00062 and 0.00064.
gnomAD v4.1: 174 of 1,611,402 alleles (0.011%); highest among the groups gnomAD compares: African/African-American, 0.18%; 1 homozygote.

Submissions (5):

Labcorp Genetics (formerly Invitae), Labcorp
Classification: Likely benign. Last evaluated: 2025-08-29. Review status: criteria provided, single submitter. Criteria: Invitae Variant Classification Sherloc (09022015). Collection method: clinical testing. Allele origin: germline.

Ambry Genetics
Classification: Likely benign for Inborn genetic diseases. Last evaluated: 2024-02-13. Review status: criteria provided, single submitter. Criteria: Ambry Variant Classification Scheme 2023. Collection method: clinical testing. Allele origin: germline.

CeGaT Center for Human Genetics Tuebingen
Classification: Likely benign. Last evaluated: 2023-09-01. Review status: criteria provided, single submitter. Criteria: CeGaT Center For Human Genetics Tuebingen Variant Classification Criteria Version 2. Collection method: clinical testing. Allele origin: germline. Affected: yes. Observed: 1 variant allele.
Comment: POLR1A: BP4

Breakthrough Genomics
Classification: Likely benign. Review status: criteria provided, single submitter. Criteria: ACMG Guidelines, 2015. Collection method: not provided. Allele origin: germline. Inheritance: Autosomal dominant inheritance. Affected: yes.

PreventionGenetics, part of Exact Sciences
Classification: Likely benign for POLR1A-related condition. Last evaluated: 2022-04-22. Review status: no assertion criteria provided. Collection method: clinical testing. Allele origin: germline. Not counted in ClinVar's aggregate classification.
Comment: This variant is classified as likely benign based on ACMG/AMP sequence variant interpretation guidelines (Richards et al. 2015 PMID: 25741868, with internal and published modifications).

NM_015425.6(POLR1A):c.1580C>T (p.Thr527Met)

Gene: POLR1A (RNA polymerase I subunit A; minus strand). Cytogenetic location: 2p11.2.
Variant type: single nucleotide variant.
Coding change: c.1580C>T on transcript NM_015425.6 (MANE Select); coding-DNA position 1580, C replaced by T.
Protein change: p.Thr527Met; replaces threonine 527 with methionine.
Molecular consequence: missense variant.
Genome position (GRCh38, 1-based): chr2:86,075,061, G>A on the plus strand (C>T on the coding strand, the complement: POLR1A is on the minus strand). VCF-style: chr2-86075061-G-A. GRCh37 (hg19) VCF-style: chr2-86302184-G-A.
Other names: c.1580C>T (NM_015425.4, NM_015425.3); short protein forms T527M.
Identifiers: ClinVar variation 1674580 (VCV001674580.35), dbSNP rs373804876, ClinGen allele CA1746306.